The following is an entry in ClinVar:

ClinVar aggregate classification (germline): Conflicting classifications of pathogenicity. Review status: criteria provided, conflicting classifications (1 of 4 stars). 5 submissions from 5 submitters: Uncertain significance (4); Likely benign (1). Last evaluated 2026-04-07.

Conditions:
Fanconi anemia complementation group I (FANCI). Also called: FANCI-Related Fanconi Anemia. Identifiers: Orphanet 84, MedGen C1836861, MONDO:0012186, OMIM 609053.
Fanconi anemia (FA). Also called: Fanconi's anemia. Identifiers: Orphanet 84, MedGen C0015625, MeSH D005199, MONDO:0019391.
FANCI-related disorder. Also called: FANCI-related condition.
Inborn genetic diseases. Identifiers: MedGen C0950123, MeSH D030342.

Allele frequency attached by ClinVar (database versions not stated): TOPMed 0.00059; ESP Exome Variant Server 0.00085; gnomAD exomes 0.00004 and 0.00013; ExAC 0.00013; gnomAD 0.00046 and 0.00051.
gnomAD v4.1: 122 of 1,614,030 alleles (0.0076%); highest among the groups gnomAD compares: African/African-American, 0.16%; no homozygotes.

Submissions (5):

PreventionGenetics, part of Exact Sciences
Classification: Likely benign for FANCI-related condition. Last evaluated: 2026-04-07. Review status: criteria provided, single submitter. Criteria: ACMG Guidelines, 2015. Collection method: clinical testing. Allele origin: germline.
Comment: This variant is classified as likely benign based on ACMG/AMP sequence variant interpretation guidelines (Richards et al. 2015 PMID: 25741868, with internal and published modifications).

Fulgent Genetics
Classification: Uncertain significance for Fanconi anemia complementation group I. Last evaluated: 2024-06-13. Review status: criteria provided, single submitter. Criteria: ACMG Guidelines, 2015. Collection method: clinical testing. Allele origin: germline.

Ambry Genetics
Classification: Uncertain significance for Inborn genetic diseases. Last evaluated: 2022-10-27. Review status: criteria provided, single submitter. Criteria: Ambry Variant Classification Scheme 2023. Collection method: clinical testing. Allele origin: germline.

Labcorp Genetics (formerly Invitae), Labcorp
Classification: Uncertain significance for Fanconi anemia. Last evaluated: 2022-08-19. Review status: criteria provided, single submitter. Criteria: Invitae Variant Classification Sherloc (09022015). Collection method: clinical testing. Allele origin: germline.
Comment: This sequence change replaces cysteine, which is neutral and slightly polar, with glycine, which is neutral and non-polar, at codon 1167 of the FANCI protein (p.Cys1167Gly). This variant is present in population databases (rs61744917, gnomAD 0.2%). This variant has not been reported in the literature in individuals affected with FANCI-related conditions. ClinVar contains an entry for this variant (Variation ID: 581189). Algorithms developed to predict the effect of missense changes on protein structure and function output the following: SIFT: "Tolerated"; PolyPhen-2: "Benign"; Align-GVGD: "Class C0". The glycine amino acid residue is found in multiple mammalian species, which suggests that this missense change does not adversely affect protein function. In summary, the available evidence is currently insufficient to determine the role of this variant in disease. Therefore, it has been classified as a Variant of Uncertain Significance.

Sema4
Classification: Uncertain significance for Fanconi anemia. Last evaluated: 2022-03-03. Review status: criteria provided, single submitter. Criteria: Sema4 Curation Guidelines. Collection method: curation. Allele origin: germline.
Comment: The FANCI c.3499T>G (p.C1167G) variant has not been reported in the literature to our knowledge. It was observed in 49/24956 chromosomes of the African/African American subpopulation in the large and broad cohorts of the Genome Aggregation Database (PMID 32461654). The variant has been reported in ClinVar (Variation ID 581189). Functional studies have not been performed, and in silico predictions of the variant's effect on protein function are inconclusive. The evidence is insufficient to meet ACMG/AMP criteria for classifying the variant as benign or pathogenic. Thus, the clinical significance of this variant is currently uncertain.

NM_001113378.2(FANCI):c.3499T>G (p.Cys1167Gly)

Gene: FANCI (FA complementation group I; plus strand). Cytogenetic location: 15q26.1.
Variant type: single nucleotide variant.
Coding change: c.3499T>G on transcript NM_001113378.2 (MANE Select); coding-DNA position 3499, T replaced by G.
Protein change: p.Cys1167Gly; replaces cysteine 1167 with glycine.
Molecular consequence: missense variant.
Genome position (GRCh38, 1-based): chr15:89,306,156, T>G. VCF-style: chr15-89306156-T-G. GRCh37 (hg19) VCF-style: chr15-89849387-T-G.
Other names: c.3220T>G, p.Cys1074Gly (NM_001376910.1); c.3499T>G, p.Cys1167Gly (NM_001376911.1); c.3319T>G, p.Cys1107Gly (NM_018193.3); short protein forms C1167G, C1107G, C1074G.
Identifiers: ClinVar variation 581189 (VCV000581189.10), dbSNP rs61744917, ClinGen allele CA7723733.